The following is an entry in ClinVar:

ClinVar aggregate classification (germline): Pathogenic (1 of 4 stars; one submission).

Conditions:
Epidermolysis bullosa simplex 3, localized or generalized intermediate, with BP230 deficiency (EBS3). Also called: Epidermolysis bullosa simplex, autosomal recessive 2; Epidermolysis bullosa simplex due to BP230 deficiency. Identifiers: Orphanet 412181, MedGen C3809470, MONDO:0014180, OMIM 615425.
Hereditary sensory and autonomic neuropathy type 6. Also called: Neuropathy, hereditary sensory and autonomic, type VI; HSAN VI. Identifiers: Orphanet 314381, MedGen C3539003, MONDO:0013839, OMIM 614653.

Allele frequency attached by ClinVar (database versions not stated): gnomAD exomes below 0.00001; gnomAD 0.00001.
gnomAD v4.1: 3 of 1,613,618 alleles (0.00019%); highest among the groups gnomAD compares: Non-Finnish European, 0.00025%; no homozygotes.

Submission:

Labcorp Genetics (formerly Invitae), Labcorp
Classification: Pathogenic for Epidermolysis bullosa simplex 3, localized or generalized intermediate, with BP230 deficiency; Hereditary sensory and autonomic neuropathy type 6. Last evaluated: 2019-03-14. Review status: criteria provided, single submitter. Criteria: Invitae Variant Classification Sherloc (09022015). Collection method: clinical testing. Allele origin: germline.
Comment: This sequence change creates a premature translational stop signal (p.Leu1602*) in the DST gene. It is expected to result in an absent or disrupted protein product. This variant is not present in population databases (ExAC no frequency). This variant has not been reported in the literature in individuals with DST-related conditions. Loss-of-function variants in DST are known to be pathogenic (PMID: 25059916). For these reasons, this variant has been classified as Pathogenic.

Literature cited by the submitters: PubMed 25059916.

NM_001723.7(DST):c.4805T>G (p.Leu1602Ter)

Gene: DST (dystonin; minus strand). Cytogenetic location: 6p12.1.
Variant type: single nucleotide variant.
Coding change: c.4805T>G on transcript NM_001723.7 (MANE Plus Clinical); coding-DNA position 4805, T replaced by G.
Protein change: p.Leu1602Ter; replaces leucine 1602 with a stop codon.
Molecular consequence: nonsense. On other transcripts: intron variant (10).
Genome position (GRCh38, 1-based): chr6:56,619,229, A>C on the plus strand (T>G on the coding strand, the complement: DST is on the minus strand). VCF-style: chr6-56619229-A-C. GRCh37 (hg19) VCF-style: chr6-56484027-A-C.
Other names: c.4831-4745T>G (NM_001144769.5); c.4930-4745T>G (NM_001374722.1, NM_001374736.1); c.4957-4745T>G (NM_001374734.1); c.4417-4745T>G (NM_001144770.2); c.4297-4745T>G (NM_001374730.1, NM_001386100.1, NM_183380.4 and 1 more transcripts); c.3319-4745T>G (NM_015548.5); short protein forms L1602*.
Identifiers: ClinVar variation 970830 (VCV000970830.3), dbSNP rs1487307181, ClinGen allele CA364568828.